The following is an entry in ClinVar:

NM_001844.5(COL2A1):c.4303A>T (p.Lys1435Ter)

Gene: COL2A1 (collagen type II alpha 1 chain; minus strand). Cytogenetic location: 12q13.11.
Variant type: single nucleotide variant.
Coding change: c.4303A>T on transcript NM_001844.5 (MANE Select); coding-DNA position 4303, A replaced by T.
Protein change: p.Lys1435Ter; replaces lysine 1435 with a stop codon.
Molecular consequence: nonsense.
Genome position (GRCh38, 1-based): chr12:47,974,103, T>A on the plus strand (A>T on the coding strand, the complement: COL2A1 is on the minus strand). VCF-style: chr12-47974103-T-A. GRCh37 (hg19) VCF-style: chr12-48367886-T-A.
Other names: c.4096A>T, p.Lys1366Ter (NM_033150.3); short protein forms K1435*, K1366*.
Identifiers: ClinVar variation 1995196 (VCV001995196.4), dbSNP rs1293471595, ClinGen allele CA384533420.

ClinVar aggregate classification (germline): Pathogenic (1 of 4 stars; one submission).

Submission:

Labcorp Genetics (formerly Invitae), Labcorp
Classification: Pathogenic. Last evaluated: 2022-05-16. Review status: criteria provided, single submitter. Criteria: Invitae Variant Classification Sherloc (09022015). Collection method: clinical testing. Allele origin: germline.
Comment: Algorithms developed to predict the effect of sequence changes on RNA splicing suggest that this variant may create or strengthen a splice site. For these reasons, this variant has been classified as Pathogenic. This variant disrupts a region of the COL2A1 protein in which other variant(s) (p.Lys1444Asnfs*27) have been determined to be pathogenic (PMID: 23545312). This suggests that this is a clinically significant region of the protein, and that variants that disrupt it are likely to be disease-causing. This variant has not been reported in the literature in individuals affected with COL2A1-related conditions. This variant is not present in population databases (gnomAD no frequency). This sequence change creates a premature translational stop signal (p.Lys1435*) in the COL2A1 gene. While this is not anticipated to result in nonsense mediated decay, it is expected to disrupt the last 53 amino acid(s) of the COL2A1 protein.

Literature cited by the submitters: PubMed 23545312.